The following is an entry in ClinVar:

NM_020988.3(GNAO1):c.425A>C (p.Asn142Thr)

Gene: GNAO1 (G protein subunit alpha o1; plus strand). Cytogenetic location: 16q13.
Variant type: single nucleotide variant.
Coding change: c.425A>C on transcript NM_020988.3 (MANE Select); coding-DNA position 425, A replaced by C.
Protein change: p.Asn142Thr; replaces asparagine 142 with threonine.
Molecular consequence: missense variant.
Genome position (GRCh38, 1-based): chr16:56,328,752, A>C. VCF-style: chr16-56328752-A-C. GRCh37 (hg19) VCF-style: chr16-56362664-A-C.
Other names: c.425A>C, p.Asn142Thr (NM_138736.3); short protein forms N142T.
Identifiers: ClinVar variation 2126994 (VCV002126994.4), dbSNP rs758424351, ClinGen allele CA395950443.
Genomic context (GRCh38, chr16:56,328,752, plus strand): 5'-CAGAGCTGCTTTCTGCCATGATGCGGCTCTGGGGCGACTCAGGAATCCAAGAGTGCTTCA[A>C]CCGGTCCCGGGAGTATCAGCTCAACGACTCTGCCAAATAGTGAGTGTCCCAGCGGGCGCA-3'
Protein context (NP_066268.1, residues 132-152): WGDSGIQECF[Asn142Thr]RSREYQLNDS

ClinVar aggregate classification (germline): Uncertain significance (1 of 4 stars; one submission).

Conditions:
Early-infantile DEE. Also called: Early infantile epileptic encephalopathy; Ohtahara syndrome; Early infantile epileptic encephalopathy with suppression bursts. Identifiers: Orphanet 1934, MedGen C0393706, MONDO:0800491.

Submission:

Labcorp Genetics (formerly Invitae), Labcorp
Classification: Uncertain significance for Early-infantile DEE. Last evaluated: 2022-08-31. Review status: criteria provided, single submitter. Criteria: Invitae Variant Classification Sherloc (09022015). Collection method: clinical testing. Allele origin: germline.
Comment: In summary, the available evidence is currently insufficient to determine the role of this variant in disease. Therefore, it has been classified as a Variant of Uncertain Significance. Advanced modeling of protein sequence and biophysical properties (such as structural, functional, and spatial information, amino acid conservation, physicochemical variation, residue mobility, and thermodynamic stability) performed at Invitae indicates that this missense variant is not expected to disrupt GNAO1 protein function. This variant has not been reported in the literature in individuals affected with GNAO1-related conditions. This variant is not present in population databases (gnomAD no frequency). This sequence change replaces asparagine, which is neutral and polar, with threonine, which is neutral and polar, at codon 142 of the GNAO1 protein (p.Asn142Thr).